The following is an entry in ClinVar:

ClinVar aggregate classification (germline): Benign/Likely benign. Review status: criteria provided, multiple submitters, no conflicts (2 of 4 stars). 3 submissions from 3 submitters: Benign (1); Likely benign (2). Last evaluated 2024-11-07.

Conditions:
Hereditary cancer-predisposing syndrome. Also called: Neoplastic Syndromes, Hereditary; Tumor predisposition; Hereditary Cancer Syndrome; Hereditary neoplastic syndrome. Identifiers: Orphanet 140162, MedGen C0027672, MeSH D009386, MONDO:0015356.
Renal cell carcinoma. Identifiers: Orphanet 217071, MedGen C0007134, MeSH D002292, MONDO:0005086, HP:0005584.
Papillary renal cell carcinoma type 1 (RCCP1). Also called: RENAL CELL CARCINOMA, PAPILLARY, 1, SOMATIC; Renal adenocarcinoma; Renal cell carcinoma 1; Renal cell carcinoma, somatic. Identifiers: Orphanet 47044, MedGen C1336839, OMIM 605074, HP:0011797.

gnomAD v4.1: 2 of 1,602,386 alleles (0.00012%); highest among the groups gnomAD compares: Non-Finnish European, 0.00017%; no homozygotes.

Submissions (3):

Myriad Genetics, Inc.
Classification: Benign for Papillary renal cell carcinoma type 1. Last evaluated: 2024-11-07. Review status: criteria provided, single submitter. Criteria: Myriad Autosomal Dominant, Autosomal Recessive and X-Linked Classification Criteria (2023). Collection method: clinical testing. Allele origin: unknown.
Comment: This variant is considered benign. This variant is a silent/synonymous amino acid change and it is not expected to impact splicing.

Labcorp Genetics (formerly Invitae), Labcorp
Classification: Likely benign for Renal cell carcinoma. Last evaluated: 2022-08-13. Review status: criteria provided, single submitter. Criteria: Invitae Variant Classification Sherloc (09022015). Collection method: clinical testing. Allele origin: germline.

Ambry Genetics
Classification: Likely benign for Hereditary cancer-predisposing syndrome. Last evaluated: 2021-05-05. Review status: criteria provided, single submitter. Criteria: Ambry Variant Classification Scheme 2023. Collection method: clinical testing. Allele origin: germline.

NM_000245.4(MET):c.1158C>A (p.Leu386=)

Gene: MET (MET proto-oncogene, receptor tyrosine kinase; plus strand). Cytogenetic location: 7q31.2.
Variant type: single nucleotide variant.
Coding change: c.1158C>A on transcript NM_000245.4 (MANE Select); coding-DNA position 1158, C replaced by A.
Protein change: p.Leu386=; no amino-acid change (leucine 386 retained).
Molecular consequence: synonymous variant. On other transcripts: intron variant (1).
Genome position (GRCh38, 1-based): chr7:116,700,242, C>A. VCF-style: chr7-116700242-C-A. GRCh37 (hg19) VCF-style: chr7-116340296-C-A.
Other names: c.1158C>A, p.Leu386= (NM_001127500.3, NM_001324401.3); c.-91+27665C>A (NM_001324402.2).
Identifiers: ClinVar variation 1735802 (VCV001735802.8), dbSNP rs1554379184, ClinGen allele CA457448157.